The following is an entry in ClinVar:

ClinVar aggregate classification (germline): Conflicting classifications of pathogenicity. Review status: criteria provided, conflicting classifications (1 of 4 stars). 4 submissions from 4 submitters: Uncertain significance (1); Likely benign (3). Last evaluated 2025-04-10.

Conditions:
Inborn genetic diseases. Identifiers: MedGen C0950123, MeSH D030342.

Allele frequency attached by ClinVar (database versions not stated): gnomAD exomes below 0.00001 and 0.00001; gnomAD 0.00002.
gnomAD v4.1: 7 of 1,611,040 alleles (0.00043%); highest among the groups gnomAD compares: Non-Finnish European, 0.00059%; no homozygotes.

Submissions (4):

Ambry Genetics
Classification: Likely benign for Inborn genetic diseases. Last evaluated: 2025-04-10. Review status: criteria provided, single submitter. Criteria: Ambry Variant Classification Scheme 2023. Collection method: clinical testing. Allele origin: germline.

Labcorp Genetics (formerly Invitae), Labcorp
Classification: Uncertain significance. Last evaluated: 2024-06-03. Review status: criteria provided, single submitter. Criteria: Invitae Variant Classification Sherloc (09022015). Collection method: clinical testing. Allele origin: germline.
Comment: This sequence change replaces histidine, which is basic and polar, with glutamine, which is neutral and polar, at codon 354 of the RHOBTB2 protein (p.His354Gln). This variant is present in population databases (no rsID available, gnomAD 0.004%). This variant has not been reported in the literature in individuals affected with RHOBTB2-related conditions. ClinVar contains an entry for this variant (Variation ID: 1378542). Advanced modeling of protein sequence and biophysical properties (such as structural, functional, and spatial information, amino acid conservation, physicochemical variation, residue mobility, and thermodynamic stability) performed at Invitae indicates that this missense variant is not expected to disrupt RHOBTB2 protein function with a negative predictive value of 80%. In summary, the available evidence is currently insufficient to determine the role of this variant in disease. Therefore, it has been classified as a Variant of Uncertain Significance.

CeGaT Center for Human Genetics Tuebingen
Classification: Likely benign. Last evaluated: 2023-07-01. Review status: criteria provided, single submitter. Criteria: CeGaT Center For Human Genetics Tuebingen Variant Classification Criteria Version 2. Collection method: clinical testing. Allele origin: germline. Affected: yes. Observed: 1 variant allele.
Comment: RHOBTB2: BP4

Blueprint Genetics
Classification: Likely benign. Last evaluated: 2022-07-14. Review status: criteria provided, single submitter. Criteria: ACMG Guidelines, 2015. Collection method: clinical testing. Allele origin: germline.

NM_015178.3(RHOBTB2):c.996C>G (p.His332Gln)

Gene: RHOBTB2 (Rho related BTB domain containing 2; plus strand). Cytogenetic location: 8p21.3.
Variant type: single nucleotide variant.
Coding change: c.996C>G on transcript NM_015178.3 (MANE Select); coding-DNA position 996, C replaced by G.
Protein change: p.His332Gln; replaces histidine 332 with glutamine.
Molecular consequence: missense variant.
Genome position (GRCh38, 1-based): chr8:23,007,241, C>G. VCF-style: chr8-23007241-C-G. GRCh37 (hg19) VCF-style: chr8-22864754-C-G.
Other names: c.1062C>G, p.His354Gln (NM_001160036.2); c.1017C>G, p.His339Gln (NM_001160037.2); c.996C>G, p.His332Gln (NM_001374791.1); c.1062C>G (NM_001160036.1); short protein forms H354Q, H332Q, H339Q.
Identifiers: ClinVar variation 1378542 (VCV001378542.31), dbSNP rs1211242747, ClinGen allele CA370567031.